The following is an entry in ClinVar:

NM_014639.4(SKIC3):c.1927C>T (p.Gln643Ter)

Gene: SKIC3 (SKI3 subunit of superkiller complex; minus strand). Cytogenetic location: 5q15.
Variant type: single nucleotide variant.
Coding change: c.1927C>T on transcript NM_014639.4 (MANE Select); coding-DNA position 1927, C replaced by T.
Protein change: p.Gln643Ter; replaces glutamine 643 with a stop codon.
Molecular consequence: nonsense.
Genome position (GRCh38, 1-based): chr5:95,522,138, G>A on the plus strand (C>T on the coding strand, the complement: SKIC3 is on the minus strand). VCF-style: chr5-95522138-G-A. GRCh37 (hg19) VCF-style: chr5-94857842-G-A.
Other names: short protein forms Q643*.
Identifiers: ClinVar variation 2100603 (VCV002100603.4), dbSNP rs2530765408, ClinGen allele CA360462753.

ClinVar aggregate classification (germline): Pathogenic (1 of 4 stars; one submission).

gnomAD v4.1: 1 of 1,613,794 alleles (0.000062%); highest among the groups gnomAD compares: Non-Finnish European, 0.000085%; no homozygotes.

Submission:

Labcorp Genetics (formerly Invitae), Labcorp
Classification: Pathogenic. Last evaluated: 2023-12-07. Review status: criteria provided, single submitter. Criteria: Invitae Variant Classification Sherloc (09022015). Collection method: clinical testing. Allele origin: germline.
Comment: This sequence change creates a premature translational stop signal (p.Gln643*) in the TTC37 gene. It is expected to result in an absent or disrupted protein product. Loss-of-function variants in TTC37 are known to be pathogenic (PMID: 20176027, 21120949). This variant is not present in population databases (gnomAD no frequency). This variant has not been reported in the literature in individuals affected with TTC37-related conditions. ClinVar contains an entry for this variant (Variation ID: 2100603). For these reasons, this variant has been classified as Pathogenic.

Literature cited by the submitters: PubMed 20176027; PubMed 21120949.